The following is an entry in ClinVar:

ClinVar aggregate classification (germline): Likely benign (1 of 4 stars; one submission).

Conditions:
Cutis laxa with severe pulmonary, gastrointestinal and urinary anomalies. Also called: URBAN-RIFKIN-DAVIS SYNDROME; LTBP4-Related Cutis Laxa; Cutis laxa, autosomal recessive, type IC. Identifiers: Orphanet 221145, MedGen C2750804, MONDO:0013170, OMIM 613177. Disease mechanism: loss of function.

Submission:

3billion
Classification: Likely benign for Cutis laxa with severe pulmonary, gastrointestinal and urinary anomalies. Last evaluated: 2024-09-20. Review status: criteria provided, single submitter. Criteria: ACMG Guidelines, 2015. Collection method: clinical testing. Allele origin: germline. Affected: no.
Comment: The homozygous variant was found in patients diagnosed with another variant in a different gene, with no symptoms related to the gene containing the homozygous variant.

NM_001042545.2(LTBP4):c.4628C>T (p.Pro1543Leu)

Gene: LTBP4 (latent transforming growth factor beta binding protein 4; plus strand). Cytogenetic location: 19q13.2.
Variant type: single nucleotide variant.
Coding change: c.4628C>T on transcript NM_001042545.2 (MANE Select); coding-DNA position 4628, C replaced by T.
Protein change: p.Pro1543Leu; replaces proline 1543 with leucine.
Molecular consequence: missense variant.
Genome position (GRCh38, 1-based): chr19:40,629,504, C>T. VCF-style: chr19-40629504-C-T. GRCh37 (hg19) VCF-style: chr19-41135409-C-T.
Other names: c.4829C>T, p.Pro1610Leu (NM_001042544.1); c.4718C>T, p.Pro1573Leu (NM_003573.2); short protein forms P1543L, P1573L, P1610L.
Identifiers: ClinVar variation 3341166 (VCV003341166.1).
Genomic context (GRCh38, chr19:40,629,504, plus strand): 5'-ACGCGCGTTGCCTCAACACGGATGGCTCCTTCCGCTGCATCTGCCGCCCGGGATTCGCAC[C>T]CACGCACCAGCCGCACCACTGTGCGCCCGCACGGCCCCGGGCCTGAGCCCTGGCACCCGC-3'
Protein context (NP_001036010.1, residues 1533-1553): FRCICRPGFA[Pro1543Leu]THQPHHCAPA